The following is an entry in ClinVar:

ClinVar aggregate classification (germline): Uncertain significance (1 of 4 stars; one submission).

gnomAD v4.1: 2 of 1,612,226 alleles (0.00012%); highest among the groups gnomAD compares: Middle Eastern, 0.017%; no homozygotes.

Submission:

Labcorp Genetics (formerly Invitae), Labcorp
Classification: Uncertain significance. Last evaluated: 2025-02-13. Review status: criteria provided, single submitter. Criteria: Invitae Variant Classification Sherloc (09022015). Collection method: clinical testing. Allele origin: germline.
Comment: This sequence change falls in intron 3 of the IL12RB2 gene. It does not directly change the encoded amino acid sequence of the IL12RB2 protein. It affects a nucleotide within the consensus splice site. This variant is not present in population databases (gnomAD no frequency). This variant has not been reported in the literature in individuals affected with IL12RB2-related conditions. Variants that disrupt the consensus splice site are a relatively common cause of aberrant splicing (PMID: 17576681, 9536098). Algorithms developed to predict the effect of sequence changes on RNA splicing suggest that this variant is not likely to affect RNA splicing. In summary, the available evidence is currently insufficient to determine the role of this variant in disease. Therefore, it has been classified as a Variant of Uncertain Significance.

Literature cited by the submitters: PubMed 17576681; PubMed 9536098.

NM_001374259.2(IL12RB2):c.364+3G>A

Gene: IL12RB2 (interleukin 12 receptor subunit beta 2; plus strand). Cytogenetic location: 1p31.3.
Variant type: single nucleotide variant.
Coding change: c.364+3G>A on transcript NM_001374259.2 (MANE Select); 3 bases into the intron after coding-DNA position 364, G replaced by A.
Molecular consequence: intron variant.
Genome position (GRCh38, 1-based): chr1:67,321,892, G>A. VCF-style: chr1-67321892-G-A. GRCh37 (hg19) VCF-style: chr1-67787575-G-A.
Other names: c.364+3G>A (NM_001258214.1, NM_001319233.1, NM_001258216.1 and 2 more transcripts).
Identifiers: ClinVar variation 4775457 (VCV004775457.1).
Genomic context (GRCh38, chr1:67,321,892, plus strand): 5'-CTGGCCTGTATCAATAGTGATGAAATTCAAATATGTGGAGCAGAGATCTTCGTTGGTGGT[G>A]AGCATTCCATTTTGAATTTTTAAAACTTGGTGATCTTTTGGTATTTTTGATCTTTTGGTA-3'